The following is an entry in ClinVar:

ClinVar aggregate classification (germline): Uncertain significance (1 of 4 stars; one submission).

Submission:

Women's Health and Genetics/Laboratory Corporation of America, LabCorp
Classification: Uncertain significance. Last evaluated: 2024-05-24. Review status: criteria provided, single submitter. Criteria: LabCorp Variant Classification Summary - May 2015. Collection method: clinical testing. Allele origin: germline.
Comment: Variant summary: KATNB1 c.*5A>C is located in the untranslated mRNA region downstream of the termination codon. The variant was absent in 137640 control chromosomes (gnomAD). The available data on variant occurrences in the general population are insufficient to allow any conclusion about variant significance. To our knowledge, no occurrence of c.*5A>C in individuals affected with Lissencephaly 6 With Microcephaly and no experimental evidence demonstrating its impact on protein function have been reported. No submitters have cited clinical-significance assessments for this variant to ClinVar. Based on the evidence outlined above, the variant was classified as uncertain significance.

NM_005886.3(KATNB1):c.*5A>C

Gene: KATNB1 (katanin regulatory subunit B1; plus strand). Cytogenetic location: 16q21.
Variant type: single nucleotide variant.
Coding change: c.*5A>C on transcript NM_005886.3 (MANE Select); 5 bases downstream of the stop codon, A replaced by C.
Molecular consequence: 3 prime UTR variant.
Genome position (GRCh38, 1-based): chr16:57,756,951, A>C. VCF-style: chr16-57756951-A-C. GRCh37 (hg19) VCF-style: chr16-57790863-A-C.
Identifiers: ClinVar variation 3336383 (VCV003336383.1).